The following is an entry in ClinVar:

NM_000321.3(RB1):c.1618G>A (p.Gly540Ser)

Gene: RB1 (RB transcriptional corepressor 1; plus strand). Cytogenetic location: 13q14.2.
Variant type: single nucleotide variant.
Coding change: c.1618G>A on transcript NM_000321.3 (MANE Select); coding-DNA position 1618, G replaced by A.
Protein change: p.Gly540Ser; replaces glycine 540 with serine.
Molecular consequence: missense variant.
Genome position (GRCh38, 1-based): chr13:48,381,366, G>A. VCF-style: chr13-48381366-G-A. GRCh37 (hg19) VCF-style: chr13-48955502-G-A.
Other names: c.1618G>A, p.Gly540Ser (NM_001407165.1, NM_001407166.1); short protein forms G540S.
Identifiers: ClinVar variation 3430911 (VCV003430911.2).
Genomic context (GRCh38, chr13:48,381,366, plus strand): 5'-GTGCTTAATTTAAAAGCCTTTGATTTTTACAAAGTGATCGAAAGTTTTATCAAAGCAGAA[G>A]GCAACTTGACAAGAGAAATGATAAAACATTTAGAACGATGTGAACATCGAATCATGGAAT-3'
Protein context (NP_000312.2, residues 530-550): KVIESFIKAE[Gly540Ser]NLTREMIKHL

ClinVar aggregate classification (germline): Uncertain significance. Review status: criteria provided, multiple submitters, no conflicts (2 of 4 stars). 2 submissions from 2 submitters: Uncertain significance (2). Last evaluated 2025-04-13.

Conditions:
Hereditary cancer-predisposing syndrome. Also called: Neoplastic Syndromes, Hereditary; Tumor predisposition; Hereditary Cancer Syndrome; Hereditary neoplastic syndrome. Identifiers: Orphanet 140162, MedGen C0027672, MeSH D009386, MONDO:0015356.
Retinoblastoma (RB1). Also called: RETINOBLASTOMA, SOMATIC. Identifiers: Orphanet 790, MedGen C0035335, MeSH D012175, MONDO:0008380, OMIM 180200, HP:0009919. Disease mechanism: loss of function. Inheritance: Both sporadic and heritable forms are tested..

gnomAD v4.1: 1 of 1,612,080 alleles (0.000062%); highest among the groups gnomAD compares: South Asian, 0.0011%; no homozygotes.

Submissions (2):

Labcorp Genetics (formerly Invitae), Labcorp
Classification: Uncertain significance for Retinoblastoma. Last evaluated: 2025-04-13. Review status: criteria provided, single submitter. Criteria: Invitae Variant Classification Sherloc (09022015). Collection method: clinical testing. Allele origin: germline.
Comment: This sequence change replaces glycine, which is neutral and non-polar, with serine, which is neutral and polar, at codon 540 of the RB1 protein (p.Gly540Ser). This variant is not present in population databases (gnomAD no frequency). This variant has not been reported in the literature in individuals affected with RB1-related conditions. ClinVar contains an entry for this variant (Variation ID: 3430911). Invitae Evidence Modeling of protein sequence and biophysical properties (such as structural, functional, and spatial information, amino acid conservation, physicochemical variation, residue mobility, and thermodynamic stability) indicates that this missense variant is not expected to disrupt RB1 protein function with a negative predictive value of 80%. In summary, the available evidence is currently insufficient to determine the role of this variant in disease. Therefore, it has been classified as a Variant of Uncertain Significance.

Ambry Genetics
Classification: Uncertain significance for Hereditary cancer-predisposing syndrome. Last evaluated: 2024-10-21. Review status: criteria provided, single submitter. Criteria: Ambry Variant Classification Scheme 2023. Collection method: clinical testing. Allele origin: germline.
Comment: The p.G540S variant (also known as c.1618G>A), located in coding exon 17 of the RB1 gene, results from a G to A substitution at nucleotide position 1618. The glycine at codon 540 is replaced by serine, an amino acid with similar properties. This amino acid position is conserved. In addition, this alteration is predicted to be tolerated by in silico analysis. Based on the available evidence, the clinical significance of this variant remains unclear.